The following is an entry in ClinVar:

NM_014252.4(SLC25A15):c.667C>T (p.Leu223Phe)

Gene: SLC25A15 (solute carrier family 25 member 15; plus strand). Cytogenetic location: 13q14.11.
Variant type: single nucleotide variant.
Coding change: c.667C>T on transcript NM_014252.4 (MANE Select); coding-DNA position 667, C replaced by T.
Protein change: p.Leu223Phe; replaces leucine 223 with phenylalanine.
Molecular consequence: missense variant.
Genome position (GRCh38, 1-based): chr13:40,808,482, C>T. VCF-style: chr13-40808482-C-T. GRCh37 (hg19) VCF-style: chr13-41382618-C-T.
Other names: short protein forms L223F.
Identifiers: ClinVar variation 4759477 (VCV004759477.1).
Genomic context (GRCh38, chr13:40,808,482, plus strand): 5'-TTTTTTTTTTCTCTAGGCCCTGTACCTTTGATGTTAAGTGGTGGAGTTGGTGGGATTTGC[C>T]TCTGGCTTGCGGTATACCCAGTGGATTGTATCAAATCCAGAATTCAAGTTCTTTCCATGT-3'
Protein context (NP_055067.1, residues 213-233): MLSGGVGGIC[Leu223Phe]WLAVYPVDCI

ClinVar aggregate classification (germline): Uncertain significance (1 of 4 stars; one submission).

Conditions:
Hyperornithinemia-hyperammonemia-homocitrullinuria syndrome (HHHS). Also called: Ornithine translocase deficiency; HHH SYNDROME. Identifiers: Orphanet 415, MedGen C0268540, MONDO:0009393, OMIM 238970.

gnomAD v4.1: 4 of 1,613,468 alleles (0.00025%); highest among the groups gnomAD compares: African/African-American, 0.0013%; no homozygotes.

Submission:

Illumina Laboratory Services, Illumina
Classification: Uncertain significance for Hyperornithinemia-hyperammonemia-homocitrullinuria syndrome. Last evaluated: 2024-02-26. Review status: criteria provided, single submitter. Criteria: ISL SNV Classification Criteria 03 February 2026. Collection method: clinical testing. Allele origin: unknown.
Comment: The SLC25A15 c.667C>T p.(Leu223Phe) missense variant has not, to our knowledge, been reported in the peer-reviewed literature. This variant is not observed at a significant frequency in version 2.1.1 or version 4.0.0 of the Genome Aggregation Database. Based on the available evidence, the c.667C>T p.(Leu223Phe) variant is classified as a variant of uncertain significance for hyperornithinemia-hyperammonemia-homocitrullinuria syndrome.